The following is an entry in ClinVar:

ClinVar aggregate classification (germline): Uncertain significance (1 of 4 stars; one submission).

Conditions:
Alstrom syndrome (ALMS). Identifiers: Orphanet 64, MedGen C0268425, MONDO:0008763, OMIM 203800.

Allele frequency attached by ClinVar (database versions not stated): gnomAD exomes below 0.00001.
gnomAD v4.1: 1 of 1,614,144 alleles (0.000062%); highest among the groups gnomAD compares: African/African-American, 0.0013%; no homozygotes.

Submission:

Labcorp Genetics (formerly Invitae), Labcorp
Classification: Uncertain significance for Alstrom syndrome. Last evaluated: 2024-01-02. Review status: criteria provided, single submitter. Criteria: Invitae Variant Classification Sherloc (09022015). Collection method: clinical testing. Allele origin: germline.
Comment: This sequence change replaces glutamic acid, which is acidic and polar, with glycine, which is neutral and non-polar, at codon 883 of the ALMS1 protein (p.Glu883Gly). This variant is not present in population databases (gnomAD no frequency). This variant has not been reported in the literature in individuals affected with ALMS1-related conditions. Experimental studies and prediction algorithms are not available or were not evaluated, and the functional significance of this variant is currently unknown. In summary, the available evidence is currently insufficient to determine the role of this variant in disease. Therefore, it has been classified as a Variant of Uncertain Significance.

NM_001378454.1(ALMS1):c.2645A>G (p.Glu882Gly)

Gene: ALMS1 (ALMS1 centrosome and basal body associated protein; plus strand). Cytogenetic location: 2p13.1.
Variant type: single nucleotide variant.
Coding change: c.2645A>G on transcript NM_001378454.1 (MANE Select); coding-DNA position 2645, A replaced by G.
Protein change: p.Glu882Gly; replaces glutamic acid 882 with glycine.
Molecular consequence: missense variant.
Genome position (GRCh38, 1-based): chr2:73,449,172, A>G. VCF-style: chr2-73449172-A-G. GRCh37 (hg19) VCF-style: chr2-73676299-A-G.
Other names: c.2648A>G, p.Glu883Gly (NM_015120.4); short protein forms E882G, E883G.
Identifiers: ClinVar variation 2873147 (VCV002873147.3), dbSNP rs1671873563, ClinGen allele CA347270858.